The following is an entry in ClinVar:

ClinVar aggregate classification (germline): Likely benign. Review status: criteria provided, single submitter (1 of 4 stars). 2 submissions from 2 submitters: Likely benign (1). 1 of the submissions does not count toward it. Last evaluated 2026-09-01.

Conditions:
FRMD5-related condition.

gnomAD v4.1: 7,869 of 1,549,868 alleles (0.51%); highest among the groups gnomAD compares: Middle Eastern, 1.4%; 30 homozygotes.

Submissions (2):

CeGaT Center for Human Genetics Tuebingen
Classification: Likely benign. Last evaluated: 2026-09-01. Review status: criteria provided, single submitter. Criteria: CeGaT Center For Human Genetics Tuebingen Variant Classification Criteria Version 2. Collection method: clinical testing. Allele origin: germline. Affected: yes. Observed: 16 variant alleles.
Comment: FRMD5: BS2

PreventionGenetics, part of Exact Sciences
Classification: Likely benign for FRMD5-related condition. Last evaluated: 2024-07-28. Review status: no assertion criteria provided. Collection method: clinical testing. Allele origin: germline. Not counted in ClinVar's aggregate classification.
Comment: This variant is classified as likely benign based on ACMG/AMP sequence variant interpretation guidelines (Richards et al. 2015 PMID: 25741868, with internal and published modifications).

NM_032892.5(FRMD5):c.*715G>A

Gene: FRMD5 (FERM domain containing 5; minus strand). Cytogenetic location: 15q15.3.
Variant type: single nucleotide variant.
Coding change: c.*715G>A on transcript NM_032892.5 (MANE Select); 715 bases downstream of the stop codon, G replaced by A.
Molecular consequence: 3 prime UTR variant. On other transcripts: missense variant (1), non-coding transcript variant (1), splice donor variant (2).
Genome position (GRCh38, 1-based): chr15:43,873,170, C>T on the plus strand (G>A on the coding strand, the complement: FRMD5 is on the minus strand). VCF-style: chr15-43873170-C-T. GRCh37 (hg19) VCF-style: chr15-44165368-C-T.
Other names: c.*722G>A (NM_001286490.2, NM_001322950.2); c.*715G>A (NM_001286491.2); c.1532G>A, p.Gly511Asp (NM_001411124.1); c.1426+1G>A (NM_001322951.2); c.1531+1G>A (NM_001322949.2); short protein forms G511D.
Identifiers: ClinVar variation 3352706 (VCV003352706.14).
Genomic context (GRCh38, chr15:43,873,170, plus strand): 5'-GTTTCATTATACAAAACTATGGTGATGCCCACTAGGCTCTAGACTAAGGGGACAGACTTA[C>T]CCCACCCCTGATGCTGCTGTTGCTGTAGCGGTGGTCCCTTCAGATGCCCACTCTGCTCAG-3'